The following is an entry in ClinVar:

NM_006440.5(TXNRD2):c.51G>C (p.Trp17Cys)

Genes: TXNRD2 (thioredoxin reductase 2; minus strand), LOC130066960 (ATAC-STARR-seq lymphoblastoid silent region 13467; plus strand). Cytogenetic location: 22q11.21.
Variant type: single nucleotide variant.
Coding change: c.51G>C on transcript NM_006440.5 (MANE Select); coding-DNA position 51, G replaced by C.
Protein change: p.Trp17Cys; replaces tryptophan 17 with cysteine.
Molecular consequence: missense variant. On other transcripts: non-coding transcript variant (1).
Genome position (GRCh38, 1-based): chr22:19,941,753, C>G on the plus strand (G>C on the coding strand, the complement: TXNRD2 is on the minus strand). VCF-style: chr22-19941753-C-G. GRCh37 (hg19) VCF-style: chr22-19929276-C-G.
Other names: c.51G>C, p.Trp17Cys (NM_001282512.3, NM_001352300.2); short protein forms W17C.
Identifiers: ClinVar variation 1409344 (VCV001409344.6), dbSNP rs2146120227, ClinGen allele CA410700090.

ClinVar aggregate classification (germline): Uncertain significance (1 of 4 stars; one submission).

Conditions:
Primary dilated cardiomyopathy (DCM). Also called: Dilated Cardiomyopathy. Identifiers: Orphanet 217604, MedGen C0007193, MeSH D002311, MONDO:0005021, HP:0001644. Inheritance: Various modes of inheritance.

Submission:

Labcorp Genetics (formerly Invitae), Labcorp
Classification: Uncertain significance for Primary dilated cardiomyopathy. Last evaluated: 2020-12-22. Review status: criteria provided, single submitter. Criteria: Invitae Variant Classification Sherloc (09022015). Collection method: clinical testing. Allele origin: germline.
Comment: This sequence change replaces tryptophan with cysteine at codon 17 of the TXNRD2 protein (p.Trp17Cys). The tryptophan residue is weakly conserved and there is a large physicochemical difference between tryptophan and cysteine. The frequency data for this variant in the population databases is considered unreliable, as metrics indicate insufficient coverage at this position in the ExAC database. This variant has not been reported in the literature in individuals with TXNRD2-related conditions. Algorithms developed to predict the effect of missense changes on protein structure and function (SIFT, PolyPhen-2, Align-GVGD) all suggest that this variant is likely to be tolerated, but these predictions have not been confirmed by published functional studies and their clinical significance is uncertain. In summary, the available evidence is currently insufficient to determine the role of this variant in disease. Therefore, it has been classified as a Variant of Uncertain Significance.